The following is an entry in ClinVar:

NM_000812.4(GABRB1):c.712C>T (p.Arg238Cys)

Gene: GABRB1 (gamma-aminobutyric acid type A receptor subunit beta1; plus strand). Cytogenetic location: 4p12.
Variant type: single nucleotide variant.
Coding change: c.712C>T on transcript NM_000812.4 (MANE Select); coding-DNA position 712, C replaced by T.
Protein change: p.Arg238Cys; replaces arginine 238 with cysteine.
Molecular consequence: missense variant.
Genome position (GRCh38, 1-based): chr4:47,403,588, C>T. VCF-style: chr4-47403588-C-T. GRCh37 (hg19) VCF-style: chr4-47405605-C-T.
Other names: short protein forms R238C.
Identifiers: ClinVar variation 3013154 (VCV003013154.3), dbSNP rs765452965, ClinGen allele CA2907674.

ClinVar aggregate classification (germline): Uncertain significance (1 of 4 stars; one submission).

Allele frequency attached by ClinVar (database versions not stated): gnomAD exomes 0.00001; ExAC 0.00002.
gnomAD v4.1: 9 of 1,613,996 alleles (0.00056%); highest among the groups gnomAD compares: Non-Finnish European, 0.00076%; no homozygotes.

Submission:

Labcorp Genetics (formerly Invitae), Labcorp
Classification: Uncertain significance. Last evaluated: 2024-05-22. Review status: criteria provided, single submitter. Criteria: Invitae Variant Classification Sherloc (09022015). Collection method: clinical testing. Allele origin: germline.
Comment: This sequence change replaces arginine, which is basic and polar, with cysteine, which is neutral and slightly polar, at codon 238 of the GABRB1 protein (p.Arg238Cys). This variant is present in population databases (rs765452965, gnomAD 0.006%). This variant has not been reported in the literature in individuals affected with GABRB1-related conditions. Advanced modeling of protein sequence and biophysical properties (such as structural, functional, and spatial information, amino acid conservation, physicochemical variation, residue mobility, and thermodynamic stability) performed at Invitae indicates that this missense variant is not expected to disrupt GABRB1 protein function with a negative predictive value of 80%. In summary, the available evidence is currently insufficient to determine the role of this variant in disease. Therefore, it has been classified as a Variant of Uncertain Significance.